The following is an entry in ClinVar:

NM_002617.4(PEX10):c.43G>A (p.Ala15Thr)

Gene: PEX10 (peroxisomal biogenesis factor 10; minus strand). Cytogenetic location: 1p36.32.
Variant type: single nucleotide variant.
Coding change: c.43G>A on transcript NM_002617.4 (MANE Select); coding-DNA position 43, G replaced by A.
Protein change: p.Ala15Thr; replaces alanine 15 with threonine.
Molecular consequence: missense variant. On other transcripts: intron variant (2).
Genome position (GRCh38, 1-based): chr1:2,412,460, C>T on the plus strand (G>A on the coding strand, the complement: PEX10 is on the minus strand). VCF-style: chr1-2412460-C-T. GRCh37 (hg19) VCF-style: chr1-2343899-C-T.
Other names: c.43G>A, p.Ala15Thr (NM_001374425.1, NM_153818.2); c.-321+1137G>A (NM_001374427.1, NM_001374426.1); short protein forms A15T.
Identifiers: ClinVar variation 1423555 (VCV001423555.9), dbSNP rs1438725093, ClinGen allele CA337990626.

ClinVar aggregate classification (germline): Uncertain significance (1 of 4 stars; one submission).

Conditions:
Peroxisome biogenesis disorder, complementation group 7 (CG7). Also called: Peroxisome biogenesis disorder, complementation group B. Identifiers: MedGen C1864399.

Allele frequency attached by ClinVar (database versions not stated): gnomAD 0.00001; TOPMed 0.00001.

Submission:

Labcorp Genetics (formerly Invitae), Labcorp
Classification: Uncertain significance for Peroxisome biogenesis disorder, complementation group 7. Last evaluated: 2023-01-18. Review status: criteria provided, single submitter. Criteria: Invitae Variant Classification Sherloc (09022015). Collection method: clinical testing. Allele origin: germline.
Comment: Algorithms developed to predict the effect of missense changes on protein structure and function (SIFT, PolyPhen-2, Align-GVGD) all suggest that this variant is likely to be tolerated. ClinVar contains an entry for this variant (Variation ID: 1423555). In summary, the available evidence is currently insufficient to determine the role of this variant in disease. Therefore, it has been classified as a Variant of Uncertain Significance. This variant has not been reported in the literature in individuals affected with PEX10-related conditions. This variant is not present in population databases (gnomAD no frequency). This sequence change replaces alanine, which is neutral and non-polar, with threonine, which is neutral and polar, at codon 15 of the PEX10 protein (p.Ala15Thr).